The following is an entry in ClinVar:

NM_198407.2(GHSR):c.796+15G>A

Gene: GHSR (growth hormone secretagogue receptor; minus strand). Cytogenetic location: 3q26.31.
Variant type: single nucleotide variant.
Coding change: c.796+15G>A on transcript NM_198407.2 (MANE Select); 15 bases into the intron after coding-DNA position 796, G replaced by A.
Molecular consequence: intron variant. On other transcripts: missense variant (1).
Genome position (GRCh38, 1-based): chr3:172,447,603, C>T on the plus strand (G>A on the coding strand, the complement: GHSR is on the minus strand). VCF-style: chr3-172447603-C-T. GRCh37 (hg19) VCF-style: chr3-172165393-C-T.
Other names: c.811G>A, p.Ala271Thr (NM_004122.2); short protein forms A271T.
Identifiers: ClinVar variation 4537213 (VCV004537213.1).

ClinVar aggregate classification (germline): Likely benign (1 of 4 stars; one submission).

gnomAD v4.1: 2 of 1,612,742 alleles (0.00012%); highest among the groups gnomAD compares: African/African-American, 0.0027%; no homozygotes.

Submission:

Women's Health and Genetics/Laboratory Corporation of America, LabCorp
Classification: Likely benign. Last evaluated: 2025-11-25. Review status: criteria provided, single submitter. Criteria: LabCorp Variant Classification Summary - May 2015. Collection method: clinical testing. Allele origin: germline.
Comment: Variant summary: GHSR c.796+15G>A alters a conserved nucleotide located at a position not widely known to affect splicing. Consensus agreement among computation tools predict no significant impact on normal splicing. However, these predictions have yet to be confirmed by functional studies. The variant was absent in 250970 control chromosomes. The available data on variant occurrences in the general population are insufficient to allow any conclusion about variant significance. To our knowledge, no occurrence of c.796+15G>A in individuals affected with GHSR-related conditions and no experimental evidence demonstrating its impact on protein function have been reported. No submitters have cited clinical-significance assessments for this variant to ClinVar. Based on the evidence outlined above, the variant was classified as likely benign.